The following is an entry in ClinVar:

ClinVar aggregate classification (germline): Conflicting classifications of pathogenicity. Review status: criteria provided, conflicting classifications (1 of 4 stars). 4 submissions from 4 submitters: Uncertain significance (2); Benign (1). 1 of the submissions does not count toward it. Last evaluated 2025-07-10.

Conditions:
Hereditary breast ovarian cancer syndrome. Also called: Hereditary breast and ovarian cancer syndrome; Hereditary breast and ovarian cancer; Hereditary breast and ovarian cancer syndrome (HBOC); Breast and ovarian cancer; Hereditary breast and/or ovarian cancer syndrome; BRCA1- and BRCA2-Associated Hereditary Breast and Ovarian Cancer. Identifiers: Orphanet 145, MedGen C0677776, MeSH D061325, MONDO:0003582. Disease mechanism: loss of function.
Hereditary cancer-predisposing syndrome. Also called: Neoplastic Syndromes, Hereditary; Tumor predisposition; Hereditary neoplastic syndrome; Hereditary Cancer Syndrome. Identifiers: Orphanet 140162, MedGen C0027672, MeSH D009386, MONDO:0015356.
Breast-ovarian cancer, familial, susceptibility to, 2 (BROVCA2). Also called: BRCA2 Hereditary Breast and Ovarian Cancer. Identifiers: Orphanet 145, MedGen C2675520, MONDO:0012933, OMIM 612555. Disease mechanism: loss of function.

Submissions (4):

Quest Diagnostics Nichols Institute San Juan Capistrano
Classification: Uncertain significance. Last evaluated: 2025-07-10. Review status: criteria provided, single submitter. Criteria: Quest Diagnostics criteria. Collection method: clinical testing. Allele origin: unknown.
Comment: The BRCA2 c.8806T>A (p.Leu2936Met) variant has been reported in the published literature in an individual with breast cancer in a large scale breast cancer association study (PMID: 33471991 (2021), see also LOVD). It was also predicted to be neutral in a likelihood analysis ratio model (PMID: 19043619 (2008)). This variant has not been reported in large, multi-ethnic general populations (Genome Aggregation Database). Analysis of this variant using bioinformatics tools for the prediction of the effect of amino acid changes on protein structure and function yielded predictions that this variant is damaging. Based on the available information, we are unable to determine the clinical significance of this variant.

Ambry Genetics
Classification: Benign for Hereditary cancer-predisposing syndrome. Last evaluated: 2025-05-22. Review status: criteria provided, single submitter. Criteria: Ambry Variant Classification Scheme 2023. Collection method: clinical testing. Allele origin: germline.

Labcorp Genetics (formerly Invitae), Labcorp
Classification: Uncertain significance for Hereditary breast ovarian cancer syndrome. Last evaluated: 2022-09-23. Review status: criteria provided, single submitter. Criteria: Invitae Variant Classification Sherloc (09022015). Collection method: clinical testing. Allele origin: germline.
Comment: This sequence change replaces leucine, which is neutral and non-polar, with methionine, which is neutral and non-polar, at codon 2936 of the BRCA2 protein (p.Leu2936Met). This variant is not present in population databases (gnomAD no frequency). This variant has not been reported in the literature in individuals affected with BRCA2-related conditions. ClinVar contains an entry for this variant (Variation ID: 52681). Advanced modeling of protein sequence and biophysical properties (such as structural, functional, and spatial information, amino acid conservation, physicochemical variation, residue mobility, and thermodynamic stability) performed at Invitae indicates that this missense variant is not expected to disrupt BRCA2 protein function. In summary, the available evidence is currently insufficient to determine the role of this variant in disease. Therefore, it has been classified as a Variant of Uncertain Significance.

Breast Cancer Information Core (BIC) (BRCA2)
Classification: Uncertain significance for Breast-ovarian cancer, familial 2. Last evaluated: 2002-05-29. Review status: no assertion criteria provided. Collection method: clinical testing. Allele origin: germline. Affected: yes. Observed: 1 variant allele. Not counted in ClinVar's aggregate classification.

Literature cited by the submitters: PubMed 33471991 (cited by Quest Diagnostics Nichols Institute San Juan Capistrano); PubMed 19043619 (cited by Quest Diagnostics Nichols Institute San Juan Capistrano).

NM_000059.4(BRCA2):c.8806T>A (p.Leu2936Met)

Gene: BRCA2 (BRCA2 DNA repair associated; plus strand). Cytogenetic location: 13q13.1.
Variant type: single nucleotide variant.
Coding change: c.8806T>A on transcript NM_000059.4 (MANE Select); coding-DNA position 8806, T replaced by A.
Protein change: p.Leu2936Met; replaces leucine 2936 with methionine.
Molecular consequence: missense variant.
Genome position (GRCh38, 1-based): chr13:32,379,368, T>A. VCF-style: chr13-32379368-T-A. GRCh37 (hg19) VCF-style: chr13-32953505-T-A.
Other names: short protein forms L2936M.
Identifiers: ClinVar variation 52681 (VCV000052681.13), dbSNP rs80359137, ClinGen allele CA025830.